The following is an entry in ClinVar:

ClinVar aggregate classification (germline): Uncertain significance (1 of 4 stars; one submission).

Conditions:
Inborn genetic diseases. Identifiers: MedGen C0950123, MeSH D030342.

Submission:

Ambry Genetics
Classification: Uncertain significance for Inborn genetic diseases. Last evaluated: 2019-08-28. Review status: criteria provided, single submitter. Criteria: Ambry Variant Classification Scheme 2023. Collection method: clinical testing. Allele origin: germline.
Comment: The p.F273V variant (also known as c.817T>G), located in coding exon 2 of the GRIN2B gene, results from a T to G substitution at nucleotide position 817. The phenylalanine at codon 273 is replaced by valine, an amino acid with highly similar properties. This amino acid position is highly conserved in available vertebrate species. In addition, this alteration is predicted to be deleterious by in silico analysis. Since supporting evidence is limited at this time, the clinical significance of this alteration remains unclear.

NM_000834.5(GRIN2B):c.817T>G (p.Phe273Val)

Gene: GRIN2B (glutamate ionotropic receptor NMDA type subunit 2B; minus strand). Cytogenetic location: 12p13.1.
Variant type: single nucleotide variant.
Coding change: c.817T>G on transcript NM_000834.5 (MANE Select); coding-DNA position 817, T replaced by G.
Protein change: p.Phe273Val; replaces phenylalanine 273 with valine.
Molecular consequence: missense variant.
Genome position (GRCh38, 1-based): chr12:13,753,510, A>C on the plus strand (T>G on the coding strand, the complement: GRIN2B is on the minus strand). VCF-style: chr12-13753510-A-C. GRCh37 (hg19) VCF-style: chr12-13906444-A-C.
Other names: c.817T>G, p.Phe273Val (NM_001413992.1, NM_001413993.1, NM_001413994.1 and 1 more transcripts); short protein forms F273V.
Identifiers: ClinVar variation 1762316 (VCV001762316.2), dbSNP rs2497777421, ClinGen allele CA384053375.
Genomic context (GRCh38, chr12:13,753,510, plus strand): 5'-CTCTGGCGGGGAGGCCATAGTCCCATTCATCATATGATACAGAGATGAGCCCAGTGGGGA[A>C]CTCCGCAGGCACTGTGTCTGTATCCCCTGCCACCAGACTGGGCACGATCCACGTGTAGCC-3'
Protein context (NP_000825.2, residues 263-283): AGDTDTVPAE[Phe273Val]PTGLISVSYD